The following is an entry in ClinVar:

NM_004304.5(ALK):c.4318G>T (p.Ala1440Ser)

Gene: ALK (ALK receptor tyrosine kinase; minus strand). Cytogenetic location: 2p23.2.
Variant type: single nucleotide variant.
Coding change: c.4318G>T on transcript NM_004304.5 (MANE Select); coding-DNA position 4318, G replaced by T.
Protein change: p.Ala1440Ser; replaces alanine 1440 with serine.
Molecular consequence: missense variant.
Genome position (GRCh38, 1-based): chr2:29,193,769, C>A on the plus strand (G>T on the coding strand, the complement: ALK is on the minus strand). VCF-style: chr2-29193769-C-A. GRCh37 (hg19) VCF-style: chr2-29416635-C-A.
Other names: c.1114G>T, p.Ala372Ser (NM_001353765.2); c.4318G>T (NM_004304.4); short protein forms A1440S, A372S.
Identifiers: ClinVar variation 1360791 (VCV001360791.9), dbSNP rs1307483937, ClinGen allele CA346462650.

ClinVar aggregate classification (germline): Uncertain significance. Review status: criteria provided, multiple submitters, no conflicts (2 of 4 stars). 2 submissions from 2 submitters: Uncertain significance (2). Last evaluated 2025-05-29.

Conditions:
Hereditary cancer-predisposing syndrome. Also called: Hereditary Cancer Syndrome; Hereditary neoplastic syndrome; Tumor predisposition; Neoplastic Syndromes, Hereditary. Identifiers: Orphanet 140162, MedGen C0027672, MeSH D009386, MONDO:0015356.
Neuroblastoma, susceptibility to, 3. Also called: ALK-Related Neuroblastic Tumor Susceptibility. Identifiers: Orphanet 635, MedGen C2751681, MONDO:0013083, OMIM 613014.

Submissions (2):

Ambry Genetics
Classification: Uncertain significance for Hereditary cancer-predisposing syndrome. Last evaluated: 2025-05-29. Review status: criteria provided, single submitter. Criteria: Ambry Variant Classification Scheme 2023. Collection method: clinical testing. Allele origin: germline.
Comment: The p.A1440S variant (also known as c.4318G>T), located in coding exon 29 of the ALK gene, results from a G to T substitution at nucleotide position 4318. The alanine at codon 1440 is replaced by serine, an amino acid with similar properties. This amino acid position is conserved. In addition, this alteration is predicted to be tolerated by in silico analysis. Based on the available evidence, the clinical significance of this variant remains unclear.

Labcorp Genetics (formerly Invitae), Labcorp
Classification: Uncertain significance for Neuroblastoma, susceptibility to, 3. Last evaluated: 2020-11-11. Review status: criteria provided, single submitter. Criteria: Invitae Variant Classification Sherloc (09022015). Collection method: clinical testing. Allele origin: germline.
Comment: This variant has not been reported in the literature in individuals with ALK-related conditions. This variant is not present in population databases (ExAC no frequency). This sequence change replaces alanine with serine at codon 1440 of the ALK protein (p.Ala1440Ser). The alanine residue is moderately conserved and there is a moderate physicochemical difference between alanine and serine. In summary, the available evidence is currently insufficient to determine the role of this variant in disease. Therefore, it has been classified as a Variant of Uncertain Significance. Algorithms developed to predict the effect of missense changes on protein structure and function (SIFT, PolyPhen-2, Align-GVGD) all suggest that this variant is likely to be tolerated, but these predictions have not been confirmed by published functional studies and their clinical significance is uncertain.